The following is an entry in ClinVar:

NM_001042492.3(NF1):c.2180C>T (p.Ser727Leu)

Gene: NF1 (neurofibromin 1; plus strand). Cytogenetic location: 17q11.2.
Variant type: single nucleotide variant.
Coding change: c.2180C>T on transcript NM_001042492.3 (MANE Select); coding-DNA position 2180, C replaced by T.
Protein change: p.Ser727Leu; replaces serine 727 with leucine.
Molecular consequence: missense variant.
Genome position (GRCh38, 1-based): chr17:31,226,613, C>T. VCF-style: chr17-31226613-C-T. GRCh37 (hg19) VCF-style: chr17-29553631-C-T.
Other names: c.2180C>T, p.Ser727Leu (NM_000267.4); short protein forms S727L.
Identifiers: ClinVar variation 1424117 (VCV001424117.8), dbSNP rs2151425993, ClinGen allele CA398982436.

ClinVar aggregate classification (germline): Uncertain significance (1 of 4 stars; one submission).

Conditions:
Neurofibromatosis, type 1 (NF1). Also called: VON RECKLINGHAUSEN DISEASE; NEUROFIBROMATOSIS, TYPE I, SOMATIC; Neurofibromatosis, type I; Peripheral type neurofibromatosis. Identifiers: Orphanet 636, MedGen C0027831, MONDO:0018975, OMIM 162200. Disease mechanism: loss of function.

Submission:

Labcorp Genetics (formerly Invitae), Labcorp
Classification: Uncertain significance for Neurofibromatosis, type 1. Last evaluated: 2021-06-23. Review status: criteria provided, single submitter. Criteria: Invitae Variant Classification Sherloc (09022015). Collection method: clinical testing. Allele origin: germline.
Comment: In summary, the available evidence is currently insufficient to determine the role of this variant in disease. Therefore, it has been classified as a Variant of Uncertain Significance. This sequence change replaces serine with leucine at codon 727 of the NF1 protein (p.Ser727Leu). The serine residue is moderately conserved and there is a large physicochemical difference between serine and leucine. This variant is not present in population databases (ExAC no frequency). This variant has not been reported in the literature in individuals with NF1-related conditions. Advanced modeling of protein sequence and biophysical properties (such as structural, functional, and spatial information, amino acid conservation, physicochemical variation, residue mobility, and thermodynamic stability) performed at Invitae indicates that this missense variant is not expected to disrupt NF1 protein function.